The following is an entry in ClinVar:

ClinVar aggregate classification (germline): Uncertain significance (1 of 4 stars; one submission).

Conditions:
Classic or attenuated familial adenomatous polyposis. Identifiers: MedGen CN372698, MONDO:0021057.

Submission:

All of Us Research Program, National Institutes of Health
Classification: Uncertain significance for Classic or attenuated familial adenomatous polyposis. Last evaluated: 2024-04-16. Review status: criteria provided, single submitter. Criteria: ACMG Guidelines, 2015. Collection method: clinical testing. Allele origin: germline. Inheritance: Autosomal dominant inheritance. Observed: 1 variant allele, 1 heterozygote.
Comment: This missense variant replaces threonine with lysine at codon 1293 of the APC protein. Computational prediction suggests that this variant may not impact protein structure and function (internally defined REVEL score threshold <= 0.5, PMID: 27666373). To our knowledge, functional studies have not been reported for this variant. This variant has not been reported in individuals affected with APC-related disorders in the literature. This variant has not been identified in the general population by the Genome Aggregation Database (gnomAD). The available evidence is insufficient to determine the role of this variant in disease conclusively. Therefore, this variant is classified as a Variant of Uncertain Significance.

This study involves interpretation of variants in research participants for the purpose of population health screening. Participant phenotype was not available at the time of variant classification. Additional details can be found in publication PMID: 35346344, PMCID: PMC8962531

NM_000038.6(APC):c.3878C>A (p.Thr1293Lys)

Gene: APC (APC regulator of WNT signaling pathway; plus strand). Cytogenetic location: 5q22.2.
Variant type: single nucleotide variant.
Coding change: c.3878C>A on transcript NM_000038.6 (MANE Select); coding-DNA position 3878, C replaced by A.
Protein change: p.Thr1293Lys; replaces threonine 1293 with lysine.
Molecular consequence: missense variant. On other transcripts: non-coding transcript variant (2).
Genome position (GRCh38, 1-based): chr5:112,839,472, C>A. VCF-style: chr5-112839472-C-A. GRCh37 (hg19) VCF-style: chr5-112175169-C-A.
Other names: c.3878C>A, p.Thr1293Lys (NM_001127510.3, NM_001354895.2, NM_001407450.1); c.3824C>A, p.Thr1275Lys (NM_001127511.3); c.3932C>A, p.Thr1311Lys (NM_001354896.2, NM_001407447.1, NM_001407448.1 and 1 more transcripts); c.3908C>A, p.Thr1303Lys (NM_001354897.2); c.3803C>A, p.Thr1268Lys (NM_001354898.2); c.3794C>A, p.Thr1265Lys (NM_001354899.2); c.3755C>A, p.Thr1252Lys (NM_001354900.2); c.3701C>A, p.Thr1234Lys (NM_001354901.2, NM_001407453.1); and 11 more; short protein forms T1010K, T1133K, T1164K, T1167K, T1192K, T1202K, T1210K, T1234K.
Identifiers: ClinVar variation 3386590 (VCV003386590.1).